The following is an entry in ClinVar:

ClinVar aggregate classification (germline): Likely pathogenic (1 of 4 stars; one submission).

Conditions:
Dilated cardiomyopathy 1G (CMD1G). Identifiers: Orphanet 154, MedGen C1858763, MONDO:0011400, OMIM 604145.
Autosomal recessive limb-girdle muscular dystrophy type 2J (LGMDR10). Also called: Limb-girdle muscular dystrophy, type 2J; MUSCULAR DYSTROPHY, LIMB-GIRDLE, AUTOSOMAL RECESSIVE 10. Identifiers: Orphanet 140922, MedGen C1837342, MONDO:0012127, OMIM 608807.

Submission:

Labcorp Genetics (formerly Invitae), Labcorp
Classification: Likely pathogenic for Dilated cardiomyopathy 1G; Autosomal recessive limb-girdle muscular dystrophy type 2J. Last evaluated: 2021-01-06. Review status: criteria provided, single submitter. Criteria: Invitae Variant Classification Sherloc (09022015). Collection method: clinical testing. Allele origin: germline.
Comment: This variant is located in the A band of TTN (PMID: 25589632). Truncating variants in this region are significantly overrepresented in patients affected with dilated cardiomyopathy (PMID: 25589632). Truncating variants in this region have also been reported in individuals affected with autosomal recessive centronuclear myopathy (PMID: 23975875). This variant has not been reported in the literature in individuals with TTN-related conditions. This variant is not present in population databases (ExAC no frequency). This sequence change affects an acceptor splice site in intron 353 of the TTN gene. It is expected to disrupt RNA splicing and likely results in a truncated or disrupted TTN protein. In summary, the currently available evidence indicates that the variant is pathogenic, but additional data are needed to prove that conclusively. Therefore, this variant has been classified as Likely Pathogenic.

Literature cited by the submitters: PubMed 25589632; PubMed 23975875.

NM_001267550.2(TTN):c.98990-2A>C

Genes: TTN-AS1 (TTN antisense RNA 1; plus strand), TTN (titin; minus strand). Cytogenetic location: 2q31.2.
Variant type: single nucleotide variant.
Coding change: c.98990-2A>C on transcript NM_001267550.2 (MANE Select); the canonical splice acceptor site of the intron before coding-DNA position 98990, A replaced by C.
Molecular consequence: splice acceptor variant. On other transcripts: non-coding transcript variant (1).
Genome position (GRCh38, 1-based): chr2:178,538,841, T>G on the plus strand (A>C on the coding strand, the complement: TTN is on the minus strand). VCF-style: chr2-178538841-T-G. GRCh37 (hg19) VCF-style: chr2-179403568-T-G.
Other names: c.71795-2A>C (NM_003319.4); c.72371-2A>C (NM_133437.4); c.72170-2A>C (NM_133432.3); c.91286-2A>C (NM_133378.4); c.94067-2A>C (NM_001256850.1).
Identifiers: ClinVar variation 1491938 (VCV001491938.8), dbSNP rs2154139399, ClinGen allele CA349431203.
Genomic context (GRCh38, chr2:178,538,841, plus strand): 5'-AGTGACACTATCTTTGGATATTGAAAGAATCTCAAGTTCTCCTGGTTGGCTTGGTTTATC[T>G]GAAATATTTTAAAATAATGAAAAGGGAGTCAGCTTTACTGGTGAAATAAAAGGACCAAAC-3'